The following is an entry in ClinVar:

ClinVar aggregate classification (germline): Pathogenic (1 of 4 stars; one submission).

Conditions:
Alstrom syndrome (ALMS). Identifiers: Orphanet 64, MedGen C0268425, MONDO:0008763, OMIM 203800.

Submission:

Labcorp Genetics (formerly Invitae), Labcorp
Classification: Pathogenic for Alstrom syndrome. Last evaluated: 2024-05-01. Review status: criteria provided, single submitter. Criteria: Invitae Variant Classification Sherloc (09022015). Collection method: clinical testing. Allele origin: germline.
Comment: This sequence change creates a premature translational stop signal (p.Glu769Lysfs*3) in the ALMS1 gene. It is expected to result in an absent or disrupted protein product. Loss-of-function variants in ALMS1 are known to be pathogenic (PMID: 17594715). This variant is not present in population databases (gnomAD no frequency). This variant has not been reported in the literature in individuals affected with ALMS1-related conditions. For these reasons, this variant has been classified as Pathogenic.

Literature cited by the submitters: PubMed 17594715.

NM_001378454.1(ALMS1):c.2302_2303del (p.Glu768fs)

Gene: ALMS1 (ALMS1 centrosome and basal body associated protein; plus strand). Cytogenetic location: 2p13.1.
Variant type: Microsatellite.
Coding change: c.2302_2303del on transcript NM_001378454.1 (MANE Select); coding-DNA positions 2302 to 2303, 2 bases deleted (GA; older notation c.2302_2303delGA).
Protein change: p.Glu768fs; shifts the reading frame from glutamic acid 768.
Molecular consequence: frameshift variant.
Genome position (GRCh38, 1-based): chr2:73,448,829-73,448,830, GA deleted; deleting any 2 consecutive bases within chr2:73,448,826-73,448,830 gives the same sequence; the c. name uses the placement nearest the transcript's 3' end. VCF-style (leftmost placement, unchanged base first): chr2-73448825-AAG-A. GRCh37 (hg19) VCF-style: chr2-73675952-AAG-A.
Other names: c.2305_2306del, p.Glu769fs (NM_015120.4); short protein forms E769fs, E768fs.
Identifiers: ClinVar variation 3651760 (VCV003651760.2).
Genomic context (GRCh38, chr2:73,448,825, plus strand): 5'-TCCTGGACCAGCTGACCAGAAGACTGAGATACCAGCAGTACAGTCTAGTTCTTACTCACA[AAG>A]AGAAAAGCCTAGTATTTTGTACCCACAGGACTTAGCAGACAGTCATCTACCTGAAGAGGG-3'